The following is an entry in ClinVar:

NM_000152.5(GAA):c.704C>T (p.Thr235Met)

Gene: GAA (alpha glucosidase; plus strand). Cytogenetic location: 17q25.3.
Variant type: single nucleotide variant.
Coding change: c.704C>T on transcript NM_000152.5 (MANE Select); coding-DNA position 704, C replaced by T.
Protein change: p.Thr235Met; replaces threonine 235 with methionine.
Molecular consequence: missense variant.
Genome position (GRCh38, 1-based): chr17:80,107,568, C>T. VCF-style: chr17-80107568-C-T. GRCh37 (hg19) VCF-style: chr17-78081367-C-T.
Other names: c.704C>T (LRG_673t1); c.704C>T, p.Thr235Met (NM_001079803.3, NM_001079804.3); short protein forms T235M.
Identifiers: ClinVar variation 657223 (VCV000657223.55), dbSNP rs752950890, ClinGen allele CA8814997.

ClinVar aggregate classification (germline): Uncertain significance. Review status: criteria provided, multiple submitters, no conflicts (2 of 4 stars). 6 submissions from 6 submitters: Uncertain significance (5). 1 of the submissions does not count toward it. Last evaluated 2025-11-03.

Conditions:
Glycogen storage disease, type II (IOPD). Also called: Glucosidase acid-1,4-alpha deficiency; Glycogen storage disease type 2; Acid maltase deficiency disease; Aglucosidase alfa; Deficiency of alpha-glucosidase; Deficiency of lysosomal alpha-glucosidase. Identifiers: Orphanet 365, MedGen C0017921, MONDO:0009290, OMIM 232300.

Allele frequency attached by ClinVar (database versions not stated): gnomAD 0.00001; gnomAD exomes 0.00001 and 0.00002; ExAC 0.00002; TOPMed 0.00002.
gnomAD v4.1: 12 of 1,612,952 alleles (0.00074%); highest among the groups gnomAD compares: South Asian, 0.0044%; no homozygotes.

Submissions (6):

Myriad Genetics, Inc.
Classification: Uncertain significance for Glycogen storage disease, type II. Last evaluated: 2025-11-03. Review status: criteria provided, single submitter. Criteria: Myriad Autosomal Dominant, Autosomal Recessive and X-Linked Classification Criteria (2023). Collection method: clinical testing. Allele origin: unknown.
Comment: NM_000152.3(GAA):c.704C>T(T235M) is a missense variant classified as a variant of uncertain significance in the context of Pompe disease. T235M has not been observed in cases with relevant disease. Relevant functional assessments of this variant are not available in the literature. T235M has been observed in referenced population frequency databases. In summary, there is insufficient evidence to classify NM_000152.3(GAA):c.704C>T(T235M) as pathogenic or benign. Please note: this variant was assessed in the context of healthy population screening.

Labcorp Genetics (formerly Invitae), Labcorp
Classification: Uncertain significance for Glycogen storage disease, type II. Last evaluated: 2025-10-02. Review status: criteria provided, single submitter. Criteria: Invitae Variant Classification Sherloc (09022015). Collection method: clinical testing. Allele origin: germline.
Comment: This sequence change replaces threonine, which is neutral and polar, with methionine, which is neutral and non-polar, at codon 235 of the GAA protein (p.Thr235Met). This variant is present in population databases (rs752950890, gnomAD 0.006%). This variant has not been reported in the literature in individuals affected with GAA-related conditions. ClinVar contains an entry for this variant (Variation ID: 657223). Invitae Evidence Modeling of protein sequence and biophysical properties (such as structural, functional, and spatial information, amino acid conservation, physicochemical variation, residue mobility, and thermodynamic stability) has been performed for this missense variant. However, the output from this modeling did not meet the statistical confidence thresholds required to predict the impact of this variant on GAA protein function. In summary, the available evidence is currently insufficient to determine the role of this variant in disease. Therefore, it has been classified as a Variant of Uncertain Significance.

GeneDx
Classification: Uncertain significance. Last evaluated: 2024-04-18. Review status: criteria provided, single submitter. Criteria: GeneDx Variant Classification Process June 2021. Collection method: clinical testing. Allele origin: germline. Affected: yes.
Comment: Not observed at significant frequency in large population cohorts (gnomAD); In silico analysis supports that this missense variant has a deleterious effect on protein structure/function; Has not been previously published as pathogenic or benign to our knowledge; This variant is associated with the following publications: (PMID: 19343043, 22253258)

Genome-Nilou Lab
Classification: Uncertain significance for Glycogen storage disease, type II. Last evaluated: 2021-09-05. Review status: criteria provided, single submitter. Criteria: ACMG Guidelines, 2015. Collection method: clinical testing. Allele origin: germline. Affected: no.

CeGaT Center for Human Genetics Tuebingen
Classification: Uncertain significance. Last evaluated: 2020-02-01. Review status: criteria provided, single submitter. Criteria: CeGaT Center For Human Genetics Tuebingen Variant Classification Criteria Version 2. Collection method: clinical testing. Allele origin: germline. Affected: yes. Observed: 3 variant alleles.

Natera, Inc.
Classification: Uncertain significance for Glycogen storage disease type II. Last evaluated: 2021-03-11. Review status: no assertion criteria provided. Collection method: clinical testing. Allele origin: germline. Not counted in ClinVar's aggregate classification.